The following is an entry in ClinVar:

NM_001127222.2(CACNA1A):c.1480A>G (p.Ser494Gly)

Gene: CACNA1A (calcium voltage-gated channel subunit alpha1 A; minus strand). Cytogenetic location: 19p13.13.
Variant type: single nucleotide variant.
Coding change: c.1480A>G on transcript NM_001127222.2 (MANE Select); coding-DNA position 1480, A replaced by G.
Protein change: p.Ser494Gly; replaces serine 494 with glycine.
Molecular consequence: missense variant.
Genome position (GRCh38, 1-based): chr19:13,317,187, T>C on the plus strand (A>G on the coding strand, the complement: CACNA1A is on the minus strand). VCF-style: chr19-13317187-T-C. GRCh37 (hg19) VCF-style: chr19-13428001-T-C.
Other names: c.1483A>G, p.Ser495Gly (NM_000068.4, NM_001127221.2, NM_001174080.2 and 1 more transcripts); short protein forms S494G, S495G.
Identifiers: ClinVar variation 2937647 (VCV002937647.3), dbSNP rs2512982883, ClinGen allele CA404345715.

ClinVar aggregate classification (germline): Uncertain significance (1 of 4 stars; one submission).

Conditions:
Episodic ataxia type 2 (EA2). Also called: CEREBELLAR ATAXIA, PAROXYSMAL, ACETAZOLAMIDE-RESPONSIVE; CEREBELLOPATHY, HEREDITARY PAROXYSMAL; EPISODIC ATAXIA, NYSTAGMUS-ASSOCIATED; ACETAZOLAMIDE-RESPONSIVE HEREDITARY PAROXYSMAL CEREBELLAR ATAXIA; ATAXIA, EPISODIC, WITH NYSTAGMUS; ATAXIA, FAMILIAL PAROXYSMAL. Identifiers: Orphanet 97, MedGen C1720416, MONDO:0007163, OMIM 108500.
Developmental and epileptic encephalopathy, 42 (DEE42A). Also called: Epileptic encephalopathy, early infantile, 42; DEVELOPMENTAL AND EPILEPTIC ENCEPHALOPATHY 42A; EPILEPTIC ENCEPHALOPATHY, EARLY INFANTILE, 42A. Identifiers: MedGen C4310716, MONDO:0014917, OMIM 617106.

Submission:

Labcorp Genetics (formerly Invitae), Labcorp
Classification: Uncertain significance for Developmental and epileptic encephalopathy, 42; Episodic ataxia type 2. Last evaluated: 2025-10-06. Review status: criteria provided, single submitter. Criteria: Invitae Variant Classification Sherloc (09022015). Collection method: clinical testing. Allele origin: germline.
Comment: This sequence change replaces serine, which is neutral and polar, with glycine, which is neutral and non-polar, at codon 495 of the CACNA1A protein (p.Ser495Gly). This variant is not present in population databases (gnomAD no frequency). This variant has not been reported in the literature in individuals affected with CACNA1A-related conditions. ClinVar contains an entry for this variant (Variation ID: 2937647). Invitae Evidence Modeling of protein sequence and biophysical properties (such as structural, functional, and spatial information, amino acid conservation, physicochemical variation, residue mobility, and thermodynamic stability) indicates that this missense variant is not expected to disrupt CACNA1A protein function with a negative predictive value of 95%. In summary, the available evidence is currently insufficient to determine the role of this variant in disease. Therefore, it has been classified as a Variant of Uncertain Significance.